The following is an entry in ClinVar:

NM_000037.4(ANK1):c.2095C>T (p.Arg699Trp)

Gene: ANK1 (ankyrin 1; minus strand). Cytogenetic location: 8p11.21.
Variant type: single nucleotide variant.
Coding change: c.2095C>T on transcript NM_000037.4 (MANE Select); coding-DNA position 2095, C replaced by T.
Protein change: p.Arg699Trp; replaces arginine 699 with tryptophan.
Molecular consequence: missense variant.
Genome position (GRCh38, 1-based): chr8:41,706,145, G>A on the plus strand (C>T on the coding strand, the complement: ANK1 is on the minus strand). VCF-style: chr8-41706145-G-A. GRCh37 (hg19) VCF-style: chr8-41563663-G-A.
Other names: c.2194C>T, p.Arg732Trp (NM_001142446.2); c.2095C>T, p.Arg699Trp (NM_020475.3, NM_020476.3, NM_020477.3); c.2095C>T (NM_020476.2); short protein forms R732W, R699W.
Identifiers: ClinVar variation 1984117 (VCV001984117.24), dbSNP rs760027398, ClinGen allele CA4728372.

ClinVar aggregate classification (germline): Uncertain significance. Review status: criteria provided, multiple submitters, no conflicts (2 of 4 stars). 3 submissions from 3 submitters: Uncertain significance (3). Last evaluated 2025-09-23.

Conditions:
ANK1-related disorder. Also called: ANK1-related condition.

Allele frequency attached by ClinVar (database versions not stated): ExAC 0.00002; TOPMed 0.00002; gnomAD 0.00003.
gnomAD v4.1: 26 of 1,613,666 alleles (0.0016%); highest among the groups gnomAD compares: African/African-American, 0.0067%; no homozygotes.

Submissions (3):

Labcorp Genetics (formerly Invitae), Labcorp
Classification: Uncertain significance. Last evaluated: 2025-09-23. Review status: criteria provided, single submitter. Criteria: Invitae Variant Classification Sherloc (09022015). Collection method: clinical testing. Allele origin: germline.
Comment: This sequence change replaces arginine, which is basic and polar, with tryptophan, which is neutral and slightly polar, at codon 699 of the ANK1 protein (p.Arg699Trp). This variant is present in population databases (rs760027398, gnomAD 0.004%). This variant has not been reported in the literature in individuals affected with ANK1-related conditions. ClinVar contains an entry for this variant (Variation ID: 1984117). An algorithm developed to predict the effect of missense changes on protein structure and function (PolyPhen-2) suggests that this variant is likely to be disruptive. In summary, the available evidence is currently insufficient to determine the role of this variant in disease. Therefore, it has been classified as a Variant of Uncertain Significance.

CeGaT Center for Human Genetics Tuebingen
Classification: Uncertain significance. Last evaluated: 2024-05-01. Review status: criteria provided, single submitter. Criteria: CeGaT Center For Human Genetics Tuebingen Variant Classification Criteria Version 2. Collection method: clinical testing. Allele origin: germline. Affected: yes. Observed: 1 variant allele.
Comment: ANK1: PM2

PreventionGenetics, part of Exact Sciences
Classification: Uncertain significance for ANK1-related condition. Last evaluated: 2022-11-22. Review status: criteria provided, single submitter. Criteria: ACMG Guidelines, 2015. Collection method: clinical testing. Allele origin: germline.
Comment: The ANK1 c.2095C>T variant is predicted to result in the amino acid substitution p.Arg699Trp. To our knowledge, this variant has not been reported in the literature. This variant is reported in 0.0044% of alleles in individuals of European (Non-Finnish) descent in gnomAD. At this time, the clinical significance of this variant is uncertain due to the absence of conclusive functional and genetic evidence.